The following is an entry in ClinVar:

ClinVar aggregate classification (germline): Uncertain significance. Review status: criteria provided, multiple submitters, no conflicts (2 of 4 stars). 2 submissions from 2 submitters: Uncertain significance (2). Last evaluated 2026-01-18.

Conditions:
Hereditary cancer-predisposing syndrome. Also called: Hereditary neoplastic syndrome; Tumor predisposition; Neoplastic Syndromes, Hereditary; Hereditary Cancer Syndrome. Identifiers: Orphanet 140162, MedGen C0027672, MeSH D009386, MONDO:0015356.

Submissions (2):

Ambry Genetics
Classification: Uncertain significance for Hereditary cancer-predisposing syndrome. Last evaluated: 2026-01-18. Review status: criteria provided, single submitter. Criteria: Ambry Variant Classification Scheme 2023. Collection method: clinical testing. Allele origin: germline.
Comment: The p.L689P variant (also known as c.2066T>C), located in coding exon 18 of the TSC2 gene, results from a T to C substitution at nucleotide position 2066. The leucine at codon 689 is replaced by proline, an amino acid with similar properties. This amino acid position is conserved. In addition, this alteration is predicted to be deleterious by in silico analysis. Based on the available evidence, the clinical significance of this variant remains unclear.

GeneDx
Classification: Uncertain significance. Last evaluated: 2024-01-08. Review status: criteria provided, single submitter. Criteria: GeneDx Variant Classification Process June 2021. Collection method: clinical testing. Allele origin: germline. Affected: yes.
Comment: Not observed at significant frequency in large population cohorts (gnomAD); In silico analysis supports that this missense variant does not alter protein structure/function; Has not been previously published as pathogenic or benign to our knowledge

NM_000548.5(TSC2):c.2066T>C (p.Leu689Pro)

Gene: TSC2 (TSC complex subunit 2; plus strand). Cytogenetic location: 16p13.3.
Variant type: single nucleotide variant.
Coding change: c.2066T>C on transcript NM_000548.5 (MANE Select); coding-DNA position 2066, T replaced by C.
Protein change: p.Leu689Pro; replaces leucine 689 with proline.
Molecular consequence: missense variant. On other transcripts: non-coding transcript variant (5).
Genome position (GRCh38, 1-based): chr16:2,071,903, T>C. VCF-style: chr16-2071903-T-C. GRCh37 (hg19) VCF-style: chr16-2121904-T-C.
Other names: c.2066T>C, p.Leu689Pro (NM_001370405.1, NM_001406663.1, NM_001406664.1 and 6 more transcripts); c.2156T>C, p.Leu719Pro (NM_001406667.1, NM_001406668.1); c.1955T>C, p.Leu652Pro (NM_001406670.1, NM_001318827.2, NM_001406678.1); c.2054T>C, p.Leu685Pro (NM_001406671.1, NM_001406673.1); c.1466T>C, p.Leu489Pro (NM_001406685.1, NM_001406686.1, NM_001406687.1 and 6 more transcripts); c.722T>C, p.Leu241Pro (NM_001406689.1, NM_001406690.1, NM_001406691.1 and 6 more transcripts); c.464T>C, p.Leu155Pro (NM_001406698.1); c.1919T>C, p.Leu640Pro (NM_001318829.2, NM_001406675.1, NM_001406676.1 and 1 more transcripts); and 3 more; short protein forms L155P, L241P, L489P, L535P, L640P, L652P, L670P, L685P.
Identifiers: ClinVar variation 3342698 (VCV003342698.2).
Genomic context (GRCh38, chr16:2,071,903, plus strand): 5'-CTCCTGGCCCGGCGCCTGCAGGCCCCGCCGTGCGGCTGGGGTCCGTGCCCTACTCCCTGC[T>C]CTTCCGCGTCCTGCTGCAGTGCTTGAAGCAGGTGAGTGGGGCCGGGCAGGGACCATCCGT-3'
Protein context (NP_000539.2, residues 679-699): VRLGSVPYSL[Leu689Pro]FRVLLQCLKQ